The following is an entry in ClinVar:

NM_153240.5(NPHP3):c.393+5C>T

Genes: NPHP3 (nephrocystin 3; minus strand), NPHP3-ACAD11 (NPHP3-ACAD11 readthrough (NMD candidate); minus strand), NPHP3-AS1 (NPHP3 antisense RNA 1; plus strand). Cytogenetic location: 3q22.1.
Variant type: single nucleotide variant.
Coding change: c.393+5C>T on transcript NM_153240.5 (MANE Select); 5 bases into the intron after coding-DNA position 393, C replaced by T.
Molecular consequence: intron variant. On other transcripts: non-coding transcript variant (2).
Genome position (GRCh38, 1-based): chr3:132,721,958, G>A on the plus strand (C>T on the coding strand, the complement: NPHP3 is on the minus strand). VCF-style: chr3-132721958-G-A. GRCh37 (hg19) VCF-style: chr3-132440802-G-A.
Identifiers: ClinVar variation 3715969 (VCV003715969.2).

ClinVar aggregate classification (germline): Uncertain significance (1 of 4 stars; one submission).

Conditions:
Nephronophthisis. Also called: Juvenile Nephronophthisis. Identifiers: Orphanet 655, MedGen C0687120, MONDO:0019005, HP:0000090.

gnomAD v4.1: 8 of 1,612,244 alleles (0.0005%); highest among the groups gnomAD compares: Non-Finnish European, 0.00059%; no homozygotes.

Submission:

Labcorp Genetics (formerly Invitae), Labcorp
Classification: Uncertain significance for Nephronophthisis. Last evaluated: 2025-01-19. Review status: criteria provided, single submitter. Criteria: Invitae Variant Classification Sherloc (09022015). Collection method: clinical testing. Allele origin: germline.
Comment: This sequence change falls in intron 1 of the NPHP3 gene. It does not directly change the encoded amino acid sequence of the NPHP3 protein. It affects a nucleotide within the consensus splice site. This variant is present in population databases (no rsID available, gnomAD 0.007%). This variant has not been reported in the literature in individuals affected with NPHP3-related conditions. Variants that disrupt the consensus splice site are a relatively common cause of aberrant splicing (PMID: 17576681, 9536098). Algorithms developed to predict the effect of sequence changes on RNA splicing suggest that this variant is not likely to affect RNA splicing. In summary, the available evidence is currently insufficient to determine the role of this variant in disease. Therefore, it has been classified as a Variant of Uncertain Significance.

Literature cited by the submitters: PubMed 17576681; PubMed 9536098.